The following is an entry in ClinVar:

NM_000214.3(JAG1):c.3003T>A (p.Ala1001=)

Gene: JAG1 (jagged canonical Notch ligand 1; minus strand). Cytogenetic location: 20p12.2.
Variant type: single nucleotide variant.
Coding change: c.3003T>A on transcript NM_000214.3 (MANE Select); coding-DNA position 3003, T replaced by A.
Protein change: p.Ala1001=; no amino-acid change (alanine 1001 retained).
Molecular consequence: synonymous variant.
Genome position (GRCh38, 1-based): chr20:10,641,158, A>T on the plus strand (T>A on the coding strand, the complement: JAG1 is on the minus strand). VCF-style: chr20-10641158-A-T. GRCh37 (hg19) VCF-style: chr20-10621806-A-T.
Identifiers: ClinVar variation 1575962 (VCV001575962.13), dbSNP rs775926205, ClinGen allele CA9764328.

ClinVar aggregate classification (germline): Likely benign. Review status: criteria provided, multiple submitters, no conflicts (2 of 4 stars). 4 submissions from 4 submitters: Likely benign (3). 1 of the submissions does not count toward it. Last evaluated 2025-07-13.

Conditions:
Cardiovascular phenotype. Identifiers: MedGen CN230736.
JAG1-related disorder. Also called: JAG1-related condition; JAG1-related disorders.
Alagille syndrome due to a JAG1 point mutation. Also called: Alagille Syndrome 1; HEPATIC DUCTULAR HYPOPLASIA, SYNDROMATIC; JAG1-Related Alagille Syndrome. Identifiers: Orphanet 261619, Orphanet 52, MedGen C1956125, MONDO:0016862, OMIM 118450.

Allele frequency attached by ClinVar (database versions not stated): ExAC 0.00002; gnomAD exomes 0.00002; gnomAD 0.00007 and 0.00008; TOPMed 0.00009.
gnomAD v4.1: 30 of 1,613,914 alleles (0.0019%); highest among the groups gnomAD compares: African/African-American, 0.031%; no homozygotes.

Submissions (4):

Labcorp Genetics (formerly Invitae), Labcorp
Classification: Likely benign for Alagille syndrome due to a JAG1 point mutation. Last evaluated: 2025-07-13. Review status: criteria provided, single submitter. Criteria: Invitae Variant Classification Sherloc (09022015). Collection method: clinical testing. Allele origin: germline.

Blueprint Genetics
Classification: Likely benign. Last evaluated: 2022-11-28. Review status: criteria provided, single submitter. Criteria: ACMG Guidelines, 2015. Collection method: clinical testing. Allele origin: germline.

Ambry Genetics
Classification: Likely benign for Cardiovascular phenotype. Last evaluated: 2022-03-06. Review status: criteria provided, single submitter. Criteria: Ambry Variant Classification Scheme 2023. Collection method: clinical testing. Allele origin: germline.

PreventionGenetics, part of Exact Sciences
Classification: Likely benign for JAG1-related condition. Last evaluated: 2023-11-09. Review status: no assertion criteria provided. Collection method: clinical testing. Allele origin: germline. Not counted in ClinVar's aggregate classification.
Comment: This variant is classified as likely benign based on ACMG/AMP sequence variant interpretation guidelines (Richards et al. 2015 PMID: 25741868, with internal and published modifications).